The following is an entry in ClinVar:

ClinVar aggregate classification (germline): Uncertain significance (1 of 4 stars; one submission).

Conditions:
Nephronophthisis 15 (NPHP15). Identifiers: Orphanet 3156, MedGen C3541853, MONDO:0013917, OMIM 614845.

Submission:

Labcorp Genetics (formerly Invitae), Labcorp
Classification: Uncertain significance for Nephronophthisis 15. Last evaluated: 2024-02-24. Review status: criteria provided, single submitter. Criteria: Invitae Variant Classification Sherloc (09022015). Collection method: clinical testing. Allele origin: germline.
Comment: This sequence change replaces glutamic acid, which is acidic and polar, with lysine, which is basic and polar, at codon 468 of the CEP164 protein (p.Glu468Lys). This variant is not present in population databases (gnomAD no frequency). This variant has not been reported in the literature in individuals affected with CEP164-related conditions. ClinVar contains an entry for this variant (Variation ID: 949658). Algorithms developed to predict the effect of missense changes on protein structure and function output the following: SIFT: "Not Available"; PolyPhen-2: "Benign"; Align-GVGD: "Not Available". The lysine amino acid residue is found in multiple mammalian species, which suggests that this missense change does not adversely affect protein function. In summary, the available evidence is currently insufficient to determine the role of this variant in disease. Therefore, it has been classified as a Variant of Uncertain Significance.

NM_014956.5(CEP164):c.1402G>A (p.Glu468Lys)

Gene: CEP164 (centrosomal protein 164; plus strand). Cytogenetic location: 11q23.3.
Variant type: single nucleotide variant.
Coding change: c.1402G>A on transcript NM_014956.5 (MANE Select); coding-DNA position 1402, G replaced by A.
Protein change: p.Glu468Lys; replaces glutamic acid 468 with lysine.
Molecular consequence: missense variant.
Genome position (GRCh38, 1-based): chr11:117,380,698, G>A. VCF-style: chr11-117380698-G-A. GRCh37 (hg19) VCF-style: chr11-117251414-G-A.
Other names: c.1402G>A, p.Glu468Lys (NM_001271933.2); short protein forms E468K.
Identifiers: ClinVar variation 949658 (VCV000949658.9), dbSNP rs2043218577, ClinGen allele CA382741811.